The following is an entry in ClinVar:

NM_013355.5(PKN3):c.25-1G>T

Gene: PKN3 (protein kinase N3; plus strand). Cytogenetic location: 9q34.11.
Variant type: single nucleotide variant.
Coding change: c.25-1G>T on transcript NM_013355.5 (MANE Select); the canonical splice acceptor site of the intron before coding-DNA position 25, G replaced by T.
Molecular consequence: splice acceptor variant.
Genome position (GRCh38, 1-based): chr9:128,705,302, G>T. VCF-style: chr9-128705302-G-T. GRCh37 (hg19) VCF-style: chr9-131467581-G-T.
Other names: c.25-1G>T (NM_001317926.2).
Identifiers: ClinVar variation 930656 (VCV000930656.3), dbSNP rs746414129, ClinGen allele CA375062786.

ClinVar aggregate classification (germline): Uncertain significance (1 of 4 stars; one submission).

Allele frequency attached by ClinVar (database versions not stated): TOPMed 0.00001.
gnomAD v4.1: 6 of 1,552,280 alleles (0.00039%); highest among the groups gnomAD compares: East Asian, 0.0048%; no homozygotes.

Submission:

Centre for Mendelian Genomics, University Medical Centre Ljubljana
Classification: Uncertain significance. Last evaluated: 2020-01-07. Review status: criteria provided, single submitter. Criteria: ACMG Guidelines, 2015. Collection method: clinical testing. Allele origin: unknown. Affected: yes.
Comment: This variant was classified as: Uncertain significance. The available evidence on this variant's pathogenicity is insufficient or conflicting. The following ACMG criteria were applied in classifying this variant: PM2,PP3.